The following is an entry in ClinVar:

NM_000071.3(CBS):c.829-1_829insGGGGCTTTTGCTGGCCTTGAGCCCTGAAGCCGCGCCCTCTGCAGGTCACTGGGGTGGATCATCCAGGT

Gene: CBS (cystathionine beta-synthase; minus strand). Cytogenetic location: 21q22.3.
Variant type: Insertion.
Coding change: c.829-1_829insGGGGCTTTTGCTGGCCTTGAGCCCTGAAGCCGCGCCCTCTGCAGGTCACTGGGGTGGATCATCCAGGT on transcript NM_000071.3 (MANE Select); the canonical splice acceptor site of the intron before coding-DNA position 829 through coding-DNA position 829, GGGGCTTTTGCTGGCCTTGAGCCCTGAAGCCGCGCCCTCTGCAGGTCACTGGGGTGGATCATCCAGGT inserted.
Molecular consequence: splice acceptor variant.
Genome position: GRCh38: chr21:43,063,122-43,063,123. GRCh37 (hg19): chr21:44,483,232-44,483,233.
Other names: c.829-1_829insGGGGCTTTTGCTGGCCTTGAGCCCTGAAGCCGCGCCCTCTGCAGGTCACTGGGGTGGATCATCCAGGT (NM_001320298.2, NM_001178009.3, NM_001178008.3); c.514-1_514insGGGGCTTTTGCTGGCCTTGAGCCCTGAAGCCGCGCCCTCTGCAGGTCACTGGGGTGGATCATCCAGGT (NM_001321072.1); c.829-1_829insGTCACTGGGGTGGATCATCCAGGTGGGGCTTTTGCTGGCCTTGAGCCCTGAAGCCGCGCCCTCTGCAG (NM_000071.3).
Identifiers: ClinVar variation 3069023 (VCV003069023.1), dbSNP rs2517429781, ClinGen allele CA2825002853.

ClinVar aggregate classification (germline): Likely pathogenic (1 of 4 stars; one submission).

Conditions:
Homocystinuria. Identifiers: MedGen C0019880, MONDO:0004737, HP:0002156.

Submission:

Women's Health and Genetics/Laboratory Corporation of America, LabCorp
Classification: Likely pathogenic for Homocystinuria. Last evaluated: 2024-02-27. Review status: criteria provided, single submitter. Criteria: LabCorp Variant Classification Summary - May 2015. Collection method: clinical testing. Allele origin: germline.
Comment: Variant summary: CBS c.829-1_829ins68 is located in a canonical splice-site and is predicted to affect mRNA splicing resulting in a significantly altered protein due to either exon skipping, shortening, or inclusion of intronic material. Several computational tools predict a significant impact on normal splicing: Four predict the variant creates a 3' acceptor site and four predict the variant creates a 5' donor site. However, these predictions have yet to be confirmed by functional studies. The variant was absent in 250454 control chromosomes (gnomAD). To our knowledge, no occurrence of c.829-1_829ins68 in individuals affected with Homocystinuria and no experimental evidence demonstrating its impact on protein function have been reported. No submitters have cited clinical-significance assessments for this variant to ClinVar. Based on the evidence outlined above, the variant was classified as likely pathogenic.